The following is an entry in ClinVar:

NM_000059.4(BRCA2):c.4145A>G (p.Glu1382Gly)

Gene: BRCA2 (BRCA2 DNA repair associated; plus strand). Cytogenetic location: 13q13.1.
Variant type: single nucleotide variant.
Coding change: c.4145A>G on transcript NM_000059.4 (MANE Select); coding-DNA position 4145, A replaced by G.
Protein change: p.Glu1382Gly; replaces glutamic acid 1382 with glycine.
Molecular consequence: missense variant.
Genome position (GRCh38, 1-based): chr13:32,338,500, A>G. VCF-style: chr13-32338500-A-G. GRCh37 (hg19) VCF-style: chr13-32912637-A-G.
Other names: short protein forms E1382G.
Identifiers: ClinVar variation 629313 (VCV000629313.5), dbSNP rs1566229775, ClinGen allele CA387779969.

ClinVar aggregate classification (germline): Conflicting classifications of pathogenicity. Review status: criteria provided, conflicting classifications (1 of 4 stars). 2 submissions from 2 submitters: Uncertain significance (1); Likely benign (1). Last evaluated 2023-03-23.

Conditions:
Hereditary cancer-predisposing syndrome. Also called: Neoplastic Syndromes, Hereditary; Tumor predisposition; Hereditary neoplastic syndrome; Hereditary Cancer Syndrome. Identifiers: Orphanet 140162, MedGen C0027672, MeSH D009386, MONDO:0015356.

Submissions (2):

University of Washington Department of Laboratory Medicine, University of Washington
Classification: Likely benign for Hereditary cancer-predisposing syndrome. Last evaluated: 2023-03-23. Review status: criteria provided, single submitter. Criteria: Dines et al. (Genet Med. 2020). Collection method: curation. Allele origin: germline.
Comment: Missense variant in a coldspot region where missense variants are very unlikely to be pathogenic (PMID:31911673).

BRCA2 exon 11 coldspot. Reclassification based on statistical prior probability.

Color Diagnostics, LLC DBA Color Health
Classification: Uncertain significance for Hereditary cancer-predisposing syndrome. Last evaluated: 2019-05-04. Review status: criteria provided, single submitter. Criteria: ACMG Guidelines, 2015. Collection method: clinical testing. Allele origin: germline.